The following is an entry in ClinVar:

ClinVar aggregate classification (germline): Pathogenic (1 of 4 stars; one submission).

Submission:

GeneDx
Classification: Pathogenic. Last evaluated: 2026-04-01. Review status: criteria provided, single submitter. Criteria: GeneDx Variant Classification Process June 2021. Collection method: clinical testing. Allele origin: germline.
Comment: Frameshift variant predicted to result in protein truncation or nonsense mediated decay in a gene for which loss of function is a known mechanism of disease; Not observed at significant frequency in large population cohorts (gnomAD); Has not been previously published as pathogenic or benign to our knowledge

NM_001009944.3(PKD1):c.574dup (p.Val192fs)

Gene: PKD1 (polycystin 1, transient receptor potential channel interacting; minus strand). Cytogenetic location: 16p13.3.
Variant type: Duplication.
Coding change: c.574dup on transcript NM_001009944.3 (MANE Select); coding-DNA position 574, one base duplicated (G; older notation c.574dupG).
Protein change: p.Val192fs; shifts the reading frame from valine 192.
Molecular consequence: frameshift variant.
Genome position (GRCh38, 1-based): chr16:2,118,418, C duplicated on the plus strand (G on the coding strand, the reverse complement: PKD1 is on the minus strand). VCF-style (leftmost placement, unchanged base first): chr16-2118417-A-AC. GRCh37 (hg19) VCF-style: chr16-2168418-A-AC.
Other names: c.574dup, p.Val192fs (NM_000296.4); short protein forms V192fs.
Identifiers: ClinVar variation 5016912 (VCV005016912.1).